The following is an entry in ClinVar:

NM_001375524.1(TRRAP):c.8119C>T (p.His2707Tyr)

Gene: TRRAP (transformation/transcription domain associated protein; plus strand). Cytogenetic location: 7q22.1.
Variant type: single nucleotide variant.
Coding change: c.8119C>T on transcript NM_001375524.1 (MANE Select); coding-DNA position 8119, C replaced by T.
Protein change: p.His2707Tyr; replaces histidine 2707 with tyrosine.
Molecular consequence: missense variant.
Genome position (GRCh38, 1-based): chr7:98,976,642, C>T. VCF-style: chr7-98976642-C-T. GRCh37 (hg19) VCF-style: chr7-98574265-C-T.
Other names: c.8098C>T, p.His2700Tyr (NM_001244580.2); c.8044C>T, p.His2682Tyr (NM_003496.4); short protein forms H2700Y, H2682Y, H2707Y.
Identifiers: ClinVar variation 2237173 (VCV002237173.3), dbSNP rs1792672838, ClinGen allele CA368303672.

ClinVar aggregate classification (germline): Uncertain significance. Review status: criteria provided, multiple submitters, no conflicts (2 of 4 stars). 2 submissions from 2 submitters: Uncertain significance (2). Last evaluated 2025-04-22.

Conditions:
Inborn genetic diseases. Identifiers: MedGen C0950123, MeSH D030342.

Allele frequency attached by ClinVar (database versions not stated): gnomAD exomes below 0.00001.
gnomAD v4.1: 2 of 1,614,206 alleles (0.00012%); highest among the groups gnomAD compares: Non-Finnish European, 0.00017%; no homozygotes.

Submissions (2):

Labcorp Genetics (formerly Invitae), Labcorp
Classification: Uncertain significance. Last evaluated: 2025-04-22. Review status: criteria provided, single submitter. Criteria: Invitae Variant Classification Sherloc (09022015). Collection method: clinical testing. Allele origin: germline.
Comment: This sequence change replaces histidine, which is basic and polar, with tyrosine, which is neutral and polar, at codon 2682 of the TRRAP protein (p.His2682Tyr). This variant is not present in population databases (gnomAD no frequency). This variant has not been reported in the literature in individuals affected with TRRAP-related conditions. ClinVar contains an entry for this variant (Variation ID: 2237173). Invitae Evidence Modeling of protein sequence and biophysical properties (such as structural, functional, and spatial information, amino acid conservation, physicochemical variation, residue mobility, and thermodynamic stability) indicates that this missense variant is not expected to disrupt TRRAP protein function with a negative predictive value of 80%. In summary, the available evidence is currently insufficient to determine the role of this variant in disease. Therefore, it has been classified as a Variant of Uncertain Significance.

Ambry Genetics
Classification: Uncertain significance for Inborn genetic diseases. Last evaluated: 2021-08-20. Review status: criteria provided, single submitter. Criteria: Ambry Variant Classification Scheme 2023. Collection method: clinical testing. Allele origin: germline.
Comment: The c.8098C>T (p.H2700Y) alteration is located in exon 54 (coding exon 53) of the TRRAP gene. This alteration results from a C to T substitution at nucleotide position 8098, causing the histidine (H) at amino acid position 2700 to be replaced by a tyrosine (Y). This variant was not reported in population-based cohorts in the Genome Aggregation Database (gnomAD). This amino acid position is highly conserved in available vertebrate species. The in silico prediction for this alteration is inconclusive. Based on insufficient or conflicting evidence, the clinical significance of this alteration remains unclear.